The following is an entry in ClinVar:

NM_004638.4(PRRC2A):c.3533CTC[1] (p.Pro1179del)

Gene: PRRC2A (proline rich coiled-coil 2A; plus strand). Cytogenetic location: 6p21.33.
Variant type: Microsatellite.
Coding change: c.3533CTC[1] on transcript NM_004638.4 (MANE Select); one copy of the 3-base unit CTC starting at c.3533; the reference has two copies in a row; one copy, 3 bases deleted.
Protein change: p.Pro1179del; deletes proline 1179.
Genome position (GRCh38, 1-based): chr6:31,632,209-31,632,211, CTC deleted; deleting any 3 consecutive bases within chr6:31,632,205-31,632,211 gives the same sequence; the position shown is the placement nearest the transcript's 3' end. VCF-style (leftmost placement, unchanged base first): chr6-31632204-CCCT-C. GRCh37 (hg19) VCF-style: chr6-31599981-CCCT-C.
Other names: c.3533CTC[1], p.Pro1179del (NM_080686.3); short protein forms P1179del.
Identifiers: ClinVar variation 3050293 (VCV003050293.2), dbSNP rs547196862, ClinGen allele CA3715951.

ClinVar aggregate classification (germline): Likely benign (0 of 4 stars; one submission).

Conditions:
PRRC2A-related disorder. Also called: PRRC2A-related condition.

Submission:

PreventionGenetics, part of Exact Sciences
Classification: Likely benign for PRRC2A-related condition. Last evaluated: 2023-07-29. Review status: no assertion criteria provided. Collection method: clinical testing. Allele origin: germline.
Comment: This variant is classified as likely benign based on ACMG/AMP sequence variant interpretation guidelines (Richards et al. 2015 PMID: 25741868, with internal and published modifications).